The following is an entry in ClinVar:

ClinVar aggregate classification (germline): Uncertain significance (1 of 4 stars; one submission).

Conditions:
Familial thoracic aortic aneurysm and aortic dissection (TAAD). Also called: Thoracic aortic aneurysms and dissections. Identifiers: Orphanet 91387, MedGen C4707243, MONDO:0019625.

gnomAD v4.1: 1 of 1,609,976 alleles (0.000062%); highest among the groups gnomAD compares: African/African-American, 0.0013%; no homozygotes.

Submission:

Ambry Genetics
Classification: Uncertain significance for Familial thoracic aortic aneurysm and aortic dissection. Last evaluated: 2026-05-28. Review status: criteria provided, single submitter. Criteria: Ambry Variant Classification Scheme 2023. Collection method: clinical testing. Allele origin: germline.
Comment: The p.R64L variant (also known as c.191G>T), located in coding exon 1 of the FBN2 gene, results from a G to T substitution at nucleotide position 191. The arginine at codon 64 is replaced by leucine, an amino acid with dissimilar properties. This amino acid position is conserved. In addition, this alteration is predicted to be tolerated by in silico analysis. Based on the available evidence, the clinical significance of this variant remains unclear.

NM_001999.4(FBN2):c.191G>T (p.Arg64Leu)

Gene: FBN2 (fibrillin 2; minus strand). Cytogenetic location: 5q23.3.
Variant type: single nucleotide variant.
Coding change: c.191G>T on transcript NM_001999.4 (MANE Select); coding-DNA position 191, G replaced by T.
Protein change: p.Arg64Leu; replaces arginine 64 with leucine.
Molecular consequence: missense variant.
Genome position (GRCh38, 1-based): chr5:128,537,413, C>A on the plus strand (G>T on the coding strand, the complement: FBN2 is on the minus strand). VCF-style: chr5-128537413-C-A. GRCh37 (hg19) VCF-style: chr5-127873106-C-A.
Other names: short protein forms R64L.
Identifiers: ClinVar variation 4871241 (VCV004871241.1).
Genomic context (GRCh38, chr5:128,537,413, plus strand): 5'-CGGAGCACGTCCTGCTGTCCTCGCCGGCGGACGCGGCTGGCCACTGCGGCACCCTCCTCG[C>A]GATACTCGGGCGCTAGAAACCCGCCTTCAGAGCCTGCTGTAGCGGACCGAACCTGTTGCG-3'
Protein context (NP_001990.2, residues 54-74): SEGGFLAPEY[Arg64Leu]EEGAAVASRV